The following is an entry in ClinVar:

NM_020919.4(ALS2):c.4281G>T (p.Arg1427Ser)

Gene: ALS2 (alsin Rho guanine nucleotide exchange factor ALS2; minus strand). Cytogenetic location: 2q33.1.
Variant type: single nucleotide variant.
Coding change: c.4281G>T on transcript NM_020919.4 (MANE Select); coding-DNA position 4281, G replaced by T.
Protein change: p.Arg1427Ser; replaces arginine 1427 with serine.
Molecular consequence: missense variant.
Genome position (GRCh38, 1-based): chr2:201,707,991, C>A on the plus strand (G>T on the coding strand, the complement: ALS2 is on the minus strand). VCF-style: chr2-201707991-C-A. GRCh37 (hg19) VCF-style: chr2-202572714-C-A.
Other names: short protein forms R1427S.
Identifiers: ClinVar variation 1422231 (VCV001422231.8), dbSNP rs746790680, ClinGen allele CA2057611.
Genomic context (GRCh38, chr2:201,707,991, plus strand): 5'-TGGCAGAGGAGCAGAGAGAGGAATTGTGCTGCCTTCTTCAGGCAGCTCAGGAAATAAGAA[C>A]CTAAGGAAGAATAAAAAATATAATTATACAATTATACCTCTAGGGGGGTTGAAAAGCATA-3'
Protein context (NP_065970.2, residues 1417-1437): SYLKRIFQLV[Arg1427Ser]FLFPELPEEG

ClinVar aggregate classification (germline): Uncertain significance (1 of 4 stars; one submission).

Conditions:
Infantile-onset ascending hereditary spastic paralysis (IAHSP). Also called: Autosomal Recessive Juvenile Amyotrophic Lateral Sclerosis; Infantile-Onset Ascending Hereditary Spastic Paralysis (IAHSP). Identifiers: Orphanet 293168, MedGen C2931441, MONDO:0011797, OMIM 607225. Disease mechanism: loss of function.

Allele frequency attached by ClinVar (database versions not stated): ExAC 0.00001; TOPMed 0.00002.
gnomAD v4.1: 4 of 1,611,140 alleles (0.00025%); highest among the groups gnomAD compares: Admixed American, 0.005%; no homozygotes.

Submission:

Labcorp Genetics (formerly Invitae), Labcorp
Classification: Uncertain significance for Infantile-onset ascending hereditary spastic paralysis. Last evaluated: 2022-03-18. Review status: criteria provided, single submitter. Criteria: Invitae Variant Classification Sherloc (09022015). Collection method: clinical testing. Allele origin: germline.
Comment: In summary, the available evidence is currently insufficient to determine the role of this variant in disease. Therefore, it has been classified as a Variant of Uncertain Significance. This sequence change replaces arginine, which is basic and polar, with serine, which is neutral and polar, at codon 1427 of the ALS2 protein (p.Arg1427Ser). This variant is present in population databases (rs746790680, gnomAD 0.006%). This variant has not been reported in the literature in individuals affected with ALS2-related conditions. Algorithms developed to predict the effect of missense changes on protein structure and function are either unavailable or do not agree on the potential impact of this missense change (SIFT: "Deleterious"; PolyPhen-2: "Probably Damaging"; Align-GVGD: "Class C0"). Algorithms developed to predict the effect of sequence changes on RNA splicing suggest that this variant may disrupt the consensus splice site.